The following is an entry in ClinVar:

NM_001103.4(ACTN2):c.1997A>G (p.Gln666Arg)

Gene: ACTN2 (actinin alpha 2; plus strand). Cytogenetic location: 1q43.
Variant type: single nucleotide variant.
Coding change: c.1997A>G on transcript NM_001103.4 (MANE Select); coding-DNA position 1997, A replaced by G.
Protein change: p.Gln666Arg; replaces glutamine 666 with arginine.
Molecular consequence: missense variant. On other transcripts: non-coding transcript variant (1).
Genome position (GRCh38, 1-based): chr1:236,755,041, A>G. VCF-style: chr1-236755041-A-G. GRCh37 (hg19) VCF-style: chr1-236918341-A-G.
Other names: c.1997A>G, p.Gln666Arg (NM_001278343.2); short protein forms Q666R.
Identifiers: ClinVar variation 4782950 (VCV004782950.1).
Genomic context (GRCh38, chr1:236,755,041, plus strand): 5'-TCTGCTTCTCTCTCTGCTTGCTCACTCGCCCCCCTCAGGAGATTGCCCGGAGCTCCATCC[A>G]GATCACAGGAGCCCTGGAAGACCAGATGAACCAGCTGAAGCAGTATGAGCACAACATCAT-3'
Protein context (NP_001094.1, residues 656-676): KMEEIARSSI[Gln666Arg]ITGALEDQMN

ClinVar aggregate classification (germline): Uncertain significance (1 of 4 stars; one submission).

Conditions:
Primary familial hypertrophic cardiomyopathy (HCM). Identifiers: Orphanet 99739, MedGen C0949658, MeSH D024741, MONDO:0024573. Inheritance: Various modes of inheritance.
Dilated cardiomyopathy 1AA (CMD1AA). Also called: CARDIOMYOPATHY, DILATED, 1AA, WITH OR WITHOUT LEFT VENTRICULAR NONCOMPACTION; CARDIOMYOPATHY, FAMILIAL HYPERTROPHIC, 23, WITH OR WITHOUT LEFT VENTRICULAR NONCOMPACTION; Cardiomyopathy, dilated, 1AA, with or without LVNC. Identifiers: Orphanet 154, MedGen C2677338, MONDO:0012808, OMIM 612158.

Submission:

Labcorp Genetics (formerly Invitae), Labcorp
Classification: Uncertain significance for Primary familial hypertrophic cardiomyopathy; Dilated cardiomyopathy 1AA. Last evaluated: 2025-07-27. Review status: criteria provided, single submitter. Criteria: Invitae Variant Classification Sherloc (09022015). Collection method: clinical testing. Allele origin: germline.
Comment: This sequence change replaces glutamine, which is neutral and polar, with arginine, which is basic and polar, at codon 666 of the ACTN2 protein (p.Gln666Arg). This variant is not present in population databases (gnomAD no frequency). This variant has not been reported in the literature in individuals affected with ACTN2-related conditions. Invitae Evidence Modeling of protein sequence and biophysical properties (such as structural, functional, and spatial information, amino acid conservation, physicochemical variation, residue mobility, and thermodynamic stability) indicates that this missense variant is not expected to disrupt ACTN2 protein function with a negative predictive value of 80%. In summary, the available evidence is currently insufficient to determine the role of this variant in disease. Therefore, it has been classified as a Variant of Uncertain Significance.